The following is an entry in ClinVar:

NM_005045.4(RELN):c.6346T>C (p.Ser2116Pro)

Gene: RELN (reelin; minus strand). Cytogenetic location: 7q22.1.
Variant type: single nucleotide variant.
Coding change: c.6346T>C on transcript NM_005045.4 (MANE Select); coding-DNA position 6346, T replaced by C.
Protein change: p.Ser2116Pro; replaces serine 2116 with proline.
Molecular consequence: missense variant.
Genome position (GRCh38, 1-based): chr7:103,545,301, A>G on the plus strand (T>C on the coding strand, the complement: RELN is on the minus strand). VCF-style: chr7-103545301-A-G. GRCh37 (hg19) VCF-style: chr7-103185748-A-G.
Other names: c.6346T>C, p.Ser2116Pro (NM_173054.3); short protein forms S2116P.
Identifiers: ClinVar variation 3757292 (VCV003757292.2).

ClinVar aggregate classification (germline): Uncertain significance (1 of 4 stars; one submission).

Conditions:
Familial temporal lobe epilepsy 7. Identifiers: Orphanet 101046, MedGen C4225327, MONDO:0014639, OMIM 616436.
Norman-Roberts syndrome (LIS2). Also called: Lissencephaly 2 (Norman-Roberts type). Identifiers: Orphanet 89844, MedGen C0796089, MONDO:0009760, OMIM 257320.

gnomAD v4.1: 2 of 1,614,122 alleles (0.00012%); highest among the groups gnomAD compares: Non-Finnish European, 0.00017%; no homozygotes.

Submission:

Labcorp Genetics (formerly Invitae), Labcorp
Classification: Uncertain significance for Familial temporal lobe epilepsy 7; Norman-Roberts syndrome. Last evaluated: 2024-07-30. Review status: criteria provided, single submitter. Criteria: Invitae Variant Classification Sherloc (09022015). Collection method: clinical testing. Allele origin: germline.
Comment: This sequence change replaces serine, which is neutral and polar, with proline, which is neutral and non-polar, at codon 2116 of the RELN protein (p.Ser2116Pro). This variant is present in population databases (no rsID available, gnomAD 0.0009%). This variant has not been reported in the literature in individuals affected with RELN-related conditions. Advanced modeling of protein sequence and biophysical properties (such as structural, functional, and spatial information, amino acid conservation, physicochemical variation, residue mobility, and thermodynamic stability) performed at Invitae indicates that this missense variant is not expected to disrupt RELN protein function with a negative predictive value of 80%. In summary, the available evidence is currently insufficient to determine the role of this variant in disease. Therefore, it has been classified as a Variant of Uncertain Significance.